The following is an entry in ClinVar:

NM_005908.4(MANBA):c.870G>A (p.Trp290Ter)

Gene: MANBA (mannosidase beta; minus strand). Cytogenetic location: 4q24.
Variant type: single nucleotide variant.
Coding change: c.870G>A on transcript NM_005908.4 (MANE Select); coding-DNA position 870, G replaced by A.
Protein change: p.Trp290Ter; replaces tryptophan 290 with a stop codon.
Molecular consequence: nonsense.
Genome position (GRCh38, 1-based): chr4:102,689,664, C>T on the plus strand (G>A on the coding strand, the complement: MANBA is on the minus strand). VCF-style: chr4-102689664-C-T. GRCh37 (hg19) VCF-style: chr4-103610821-C-T.
Other names: short protein forms W290*.
Identifiers: ClinVar variation 2742785 (VCV002742785.3), dbSNP rs2476805306, ClinGen allele CA357769077.

ClinVar aggregate classification (germline): Pathogenic (1 of 4 stars; one submission).

Conditions:
Beta-D-mannosidosis (MANSB). Also called: Beta-Mannosidosis; MANNOSIDOSIS, BETA A, LYSOSOMAL; BETA-MANNOSIDASE DEFICIENCY; LYSOSOMAL BETA-MANNOSIDASE DEFICIENCY. Identifiers: Orphanet 118, MedGen C4048196, MONDO:0009562, OMIM 248510.

Submission:

Labcorp Genetics (formerly Invitae), Labcorp
Classification: Pathogenic for Beta-D-mannosidosis. Last evaluated: 2023-07-12. Review status: criteria provided, single submitter. Criteria: Invitae Variant Classification Sherloc (09022015). Collection method: clinical testing. Allele origin: germline.
Comment: This sequence change creates a premature translational stop signal (p.Trp290*) in the MANBA gene. It is expected to result in an absent or disrupted protein product. Loss-of-function variants in MANBA are known to be pathogenic (PMID: 9384606, 12468273). For these reasons, this variant has been classified as Pathogenic. This variant has not been reported in the literature in individuals affected with MANBA-related conditions. This variant is not present in population databases (gnomAD no frequency).

Literature cited by the submitters: PubMed 9384606; PubMed 12468273.